The following is an entry in ClinVar:

NM_000201.3(ICAM1):c.721G>A (p.Gly241Arg)

Gene: ICAM1 (intercellular adhesion molecule 1; plus strand). Cytogenetic location: 19p13.2.
Variant type: single nucleotide variant.
Coding change: c.721G>A on transcript NM_000201.3 (MANE Select); coding-DNA position 721, G replaced by A.
Protein change: p.Gly241Arg; replaces glycine 241 with arginine.
Molecular consequence: missense variant.
Genome position (GRCh38, 1-based): chr19:10,284,116, G>A. VCF-style: chr19-10284116-G-A. GRCh37 (hg19) VCF-style: chr19-10394792-G-A.
Other names: short protein forms G241R.
Identifiers: ClinVar variation 3060438 (VCV003060438.2), dbSNP rs1799969, ClinGen allele CA9189888.

ClinVar aggregate classification (germline): Benign (0 of 4 stars; one submission).

Conditions:
ICAM1-related disorder. Also called: ICAM1-related condition.

Allele frequency attached by ClinVar (database versions not stated): 1000 Genomes Project 0.05671; 1000 Genomes Project 30x 0.05809; ESP Exome Variant Server 0.07812; TOPMed 0.08487; gnomAD 0.09055; ExAC 0.10007; gnomAD exomes 0.10787.

Submission:

PreventionGenetics, part of Exact Sciences
Classification: Benign for ICAM1-related condition. Last evaluated: 2019-10-18. Review status: no assertion criteria provided. Collection method: clinical testing. Allele origin: germline.
Comment: This variant is classified as benign based on ACMG/AMP sequence variant interpretation guidelines (Richards et al. 2015 PMID: 25741868, with internal and published modifications).